The following is an entry in ClinVar:

NM_033163.5(FGF8):c.157G>C (p.Val53Leu)

Gene: FGF8 (fibroblast growth factor 8; minus strand). Cytogenetic location: 10q24.32.
Variant type: single nucleotide variant.
Coding change: c.157G>C on transcript NM_033163.5 (MANE Select); coding-DNA position 157, G replaced by C.
Protein change: p.Val53Leu; replaces valine 53 with leucine.
Molecular consequence: missense variant. On other transcripts: intron variant (3).
Genome position (GRCh38, 1-based): chr10:101,774,912, C>G on the plus strand (G>C on the coding strand, the complement: FGF8 is on the minus strand). VCF-style: chr10-101774912-C-G. GRCh37 (hg19) VCF-style: chr10-103534669-C-G.
Other names: c.70G>C, p.Val24Leu (NM_006119.6); c.-123-33G>C (NM_001206389.2); c.70-33G>C (NM_033165.5); c.157-33G>C (NM_033164.4); short protein forms V53L, V24L.
Identifiers: ClinVar variation 545459 (VCV000545459.3), dbSNP rs1554834889, ClinGen allele CA377837695.

ClinVar aggregate classification (germline): Likely pathogenic (1 of 4 stars; one submission).

Conditions:
Holoprosencephaly sequence (HPE). Also called: Holoprosencephaly. Identifiers: Orphanet 2162, MedGen C0079541, MONDO:0016296, HP:0001360.

Submission:

Muenke lab, National Institutes of Health
Classification: Likely pathogenic for Holoprosencephaly sequence. Last evaluated: 2018-04-19. Review status: criteria provided, single submitter. Criteria: Submitter's publication. Collection method: research. Allele origin: not applicable.
Comment: Consistent clinical presentation. One of multiple examples of alternative splicing eliminating the production of the most potent alternative splice forms. Predicted to be benign as an amino acid missense variation (BP3). This prediction was ignored based on splicing considerations of likely pathogenicity. ACMG criteria met: PVS1;PM2;PP3;PP6 (BP3 not considered).